The following is an entry in ClinVar:

ClinVar aggregate classification (germline): Uncertain significance. Review status: criteria provided, multiple submitters, no conflicts (2 of 4 stars). 4 submissions from 4 submitters: Uncertain significance (4). Last evaluated 2026-05-14.

Conditions:
Cardiovascular phenotype. Identifiers: MedGen CN230736.
Osteogenesis imperfecta type I (OI1). Also called: Classic Non-deforming Osteogenesis Imperfecta with Blue Sclerae; Lobstein's Disease; OI, TYPE I; OSTEOGENESIS IMPERFECTA TARDA; OSTEOGENESIS IMPERFECTA WITH BLUE SCLERAE; Lobstein disease. Identifiers: Orphanet 216796, Orphanet 666, MedGen C0023931, MONDO:0008146, OMIM 166200. Disease mechanism: loss of function.

Allele frequency attached by ClinVar (database versions not stated): gnomAD exomes below 0.00001; TOPMed below 0.00001.
gnomAD v4.1: 5 of 1,614,126 alleles (0.00031%); highest among the groups gnomAD compares: Admixed American, 0.0033%; no homozygotes.

Submissions (4):

Ambry Genetics
Classification: Uncertain significance for Cardiovascular phenotype. Last evaluated: 2026-05-14. Review status: criteria provided, single submitter. Criteria: Ambry Variant Classification Scheme 2023. Collection method: clinical testing. Allele origin: germline.
Comment: The p.P583R variant (also known as c.1748C>G), located in coding exon 25 of the COL1A1 gene, results from a C to G substitution at nucleotide position 1748. The proline at codon 583 is replaced by arginine, an amino acid with dissimilar properties. This amino acid position is conserved. In addition, this alteration is predicted to be deleterious by in silico analysis. Based on the available evidence, the clinical significance of this variant remains unclear.

Mayo Clinic Laboratories, Mayo Clinic
Classification: Uncertain significance. Last evaluated: 2025-11-18. Review status: criteria provided, single submitter. Criteria: ACMG Guidelines, 2015. Collection method: clinical testing. Allele origin: germline. Observed: 1 variant allele.
Comment: PP3_moderate

Labcorp Genetics (formerly Invitae), Labcorp
Classification: Uncertain significance for Osteogenesis imperfecta type I. Last evaluated: 2024-11-14. Review status: criteria provided, single submitter. Criteria: Invitae Variant Classification Sherloc (09022015). Collection method: clinical testing. Allele origin: germline.
Comment: This sequence change replaces proline, which is neutral and non-polar, with arginine, which is basic and polar, at codon 583 of the COL1A1 protein (p.Pro583Arg). This variant is present in population databases (no rsID available, gnomAD 0.0009%). This variant has not been reported in the literature in individuals affected with COL1A1-related conditions. ClinVar contains an entry for this variant (Variation ID: 855418). Invitae Evidence Modeling of protein sequence and biophysical properties (such as structural, functional, and spatial information, amino acid conservation, physicochemical variation, residue mobility, and thermodynamic stability) indicates that this missense variant is expected to disrupt COL1A1 protein function with a positive predictive value of 95%. In summary, the available evidence is currently insufficient to determine the role of this variant in disease. Therefore, it has been classified as a Variant of Uncertain Significance.

Greenwood Genetic Center Diagnostic Laboratories, Greenwood Genetic Center
Classification: Uncertain significance. Last evaluated: 2021-12-17. Review status: criteria provided, single submitter. Criteria: ACMG Guidelines, 2015. Collection method: clinical testing. Allele origin: germline. Affected: yes.
Comment: PM2

NM_000088.4(COL1A1):c.1748C>G (p.Pro583Arg)

Gene: COL1A1 (collagen type I alpha 1 chain; minus strand). Cytogenetic location: 17q21.33.
Variant type: single nucleotide variant.
Coding change: c.1748C>G on transcript NM_000088.4 (MANE Select); coding-DNA position 1748, C replaced by G.
Protein change: p.Pro583Arg; replaces proline 583 with arginine.
Molecular consequence: missense variant.
Genome position (GRCh38, 1-based): chr17:50,193,962, G>C on the plus strand (C>G on the coding strand, the complement: COL1A1 is on the minus strand). VCF-style: chr17-50193962-G-C. GRCh37 (hg19) VCF-style: chr17-48271323-G-C.
Other names: p.Pro583Arg; short protein forms P583R.
Identifiers: ClinVar variation 855418 (VCV000855418.16), dbSNP rs1401682206, ClinGen allele CA400215196.